The following is an entry in ClinVar:

NM_001330360.2(POLA1):c.647C>T (p.Pro216Leu)

Gene: POLA1 (DNA polymerase alpha 1, catalytic subunit; plus strand). Cytogenetic location: Xp22.11.
Variant type: single nucleotide variant.
Coding change: c.647C>T on transcript NM_001330360.2 (MANE Select); coding-DNA position 647, C replaced by T.
Protein change: p.Pro216Leu; replaces proline 216 with leucine.
Molecular consequence: missense variant. On other transcripts: non-coding transcript variant (2).
Genome position (GRCh38, 1-based): chrX:24,716,912, C>T. VCF-style: chrX-24716912-C-T. GRCh37 (hg19) VCF-style: chrX-24735029-C-T.
Other names: c.629C>T (NM_016937.3); c.647C>T, p.Pro216Leu (NM_001378303.1); c.629C>T, p.Pro210Leu (NM_016937.4); short protein forms P210L, P216L.
Identifiers: ClinVar variation 2844467 (VCV002844467.4), dbSNP rs976439902, ClinGen allele CA326894274.

ClinVar aggregate classification (germline): Uncertain significance. Review status: criteria provided, multiple submitters, no conflicts (2 of 4 stars). 2 submissions from 2 submitters: Uncertain significance (2). Last evaluated 2024-09-20.

Allele frequency attached by ClinVar (database versions not stated): TOPMed below 0.00001; gnomAD 0.00001; gnomAD exomes 0.00001.
gnomAD v4.1: 7 of 1,199,992 alleles (0.00058%); highest among the groups gnomAD compares: Non-Finnish European, 0.00079%; no homozygotes.

Submissions (2):

GeneDx
Classification: Uncertain significance. Last evaluated: 2024-09-20. Review status: criteria provided, single submitter. Criteria: GeneDx Variant Classification Process June 2021. Collection method: clinical testing. Allele origin: germline. Affected: yes.
Comment: Not observed at significant frequency in large population cohorts (gnomAD); In silico analysis supports that this missense variant has a deleterious effect on protein structure/function; Has not been previously published as pathogenic or benign to our knowledge

Labcorp Genetics (formerly Invitae), Labcorp
Classification: Uncertain significance. Last evaluated: 2024-07-16. Review status: criteria provided, single submitter. Criteria: Invitae Variant Classification Sherloc (09022015). Collection method: clinical testing. Allele origin: germline.
Comment: This sequence change replaces proline, which is neutral and non-polar, with leucine, which is neutral and non-polar, at codon 210 of the POLA1 protein (p.Pro210Leu). This variant is not present in population databases (gnomAD no frequency). This variant has not been reported in the literature in individuals affected with POLA1-related conditions. Advanced modeling of protein sequence and biophysical properties (such as structural, functional, and spatial information, amino acid conservation, physicochemical variation, residue mobility, and thermodynamic stability) performed at Invitae indicates that this missense variant is not expected to disrupt POLA1 protein function with a negative predictive value of 80%. In summary, the available evidence is currently insufficient to determine the role of this variant in disease. Therefore, it has been classified as a Variant of Uncertain Significance.